The following is an entry in ClinVar:

ClinVar aggregate classification (germline): Uncertain significance (1 of 4 stars; one submission).

Conditions:
Mucopolysaccharidosis type 1. Also called: IDUA deficiency; MPS I. Identifiers: Orphanet 579, MedGen C0023786, MONDO:0001586.

Allele frequency attached by ClinVar (database versions not stated): gnomAD 0.00001; TOPMed 0.00001.
gnomAD v4.1: 1 of 1,492,264 alleles (0.000067%); highest among the groups gnomAD compares: Non-Finnish European, 0.000089%; no homozygotes.

Submission:

Labcorp Genetics (formerly Invitae), Labcorp
Classification: Uncertain significance for Mucopolysaccharidosis type 1. Last evaluated: 2022-08-05. Review status: criteria provided, single submitter. Criteria: Invitae Variant Classification Sherloc (09022015). Collection method: clinical testing. Allele origin: germline.
Comment: In summary, the available evidence is currently insufficient to determine the role of this variant in disease. Therefore, it has been classified as a Variant of Uncertain Significance. This sequence change replaces glutamine, which is neutral and polar, with glutamic acid, which is acidic and polar, at codon 500 of the IDUA protein (p.Gln500Glu). This variant is not present in population databases (gnomAD no frequency). This variant has not been reported in the literature in individuals affected with IDUA-related conditions. Advanced modeling of protein sequence and biophysical properties (such as structural, functional, and spatial information, amino acid conservation, physicochemical variation, residue mobility, and thermodynamic stability) performed at Invitae indicates that this missense variant is not expected to disrupt IDUA protein function.

NM_000203.5(IDUA):c.1498C>G (p.Gln500Glu)

Gene: IDUA (alpha-L-iduronidase; plus strand). Cytogenetic location: 4p16.3.
Variant type: single nucleotide variant.
Coding change: c.1498C>G on transcript NM_000203.5 (MANE Select); coding-DNA position 1498, C replaced by G.
Protein change: p.Gln500Glu; replaces glutamine 500 with glutamic acid.
Molecular consequence: missense variant. On other transcripts: non-coding transcript variant (1).
Genome position (GRCh38, 1-based): chr4:1,003,131, C>G. VCF-style: chr4-1003131-C-G. GRCh37 (hg19) VCF-style: chr4-996919-C-G.
Other names: c.1102C>G, p.Gln368Glu (NM_001363576.1); short protein forms Q368E, Q500E.
Identifiers: ClinVar variation 2158452 (VCV002158452.3), dbSNP rs1290558249, ClinGen allele CA355964722.
Genomic context (GRCh38, chr4:1,003,131, plus strand): 5'-CTCTGCAGCCCCGACGGCGAGTGGCGGCGCCTGGGCCGGCCCGTCTTCCCCACGGCAGAG[C>G]AGTTCCGGCGCATGCGCGCGGCTGAGGTAGGTGGGCCGCGGAGGGGCGAGGGGCCGGGCC-3'
Protein context (NP_000194.2, residues 490-510): LGRPVFPTAE[Gln500Glu]FRRMRAAEDP